The following is an entry in ClinVar:

NC_000023.10:g.(?_32305636)_(32717420_?)dup

Gene: DMD (dystrophin; minus strand). Cytogenetic location: Xp21.1.
Variant type: Duplication.
Identifiers: ClinVar variation 1066254 (VCV001066254.8).

ClinVar aggregate classification (germline): Likely pathogenic (1 of 4 stars; one submission).

Conditions:
Duchenne muscular dystrophy (DMD). Also called: MUSCULAR DYSTROPHY, PSEUDOHYPERTROPHIC PROGRESSIVE, DUCHENNE TYPE; Duchenne Muscular Dystrophy (DMD). Identifiers: Orphanet 98896, MedGen C0013264, MONDO:0010679, OMIM 310200.

Submission:

Labcorp Genetics (formerly Invitae), Labcorp
Classification: Likely pathogenic for Duchenne muscular dystrophy. Last evaluated: 2020-04-01. Review status: criteria provided, single submitter. Criteria: Invitae Variant Classification Sherloc (09022015). Collection method: clinical testing. Allele origin: germline.
Comment: In summary, the currently available evidence indicates that the variant is pathogenic, but additional data are needed to prove that conclusively. Therefore, this variant has been classified as Likely Pathogenic. Loss-of-function variants in DMD are known to be pathogenic (PMID: 16770791, 25007885). This variant has been observed in individual(s) with Duchenne muscular dystrophy (PMID: 25972034). This variant results in a copy number gain of the genomic region encompassing exon(s) 8-43 of the DMD gene. While the exact position of this variant cannot be determined from the data, sub-genic copy number gains are generally in tandem (PMID: 25640679). This variant is predicted to be out-of-frame, and may result in an absent or disrupted protein product.

Literature cited by the submitters: PubMed 16770791; PubMed 25007885; PubMed 25972034; PubMed 25640679.